The following is an entry in ClinVar:

ClinVar aggregate classification (germline): Likely benign. Review status: criteria provided, multiple submitters, no conflicts (2 of 4 stars). 2 submissions from 2 submitters: Likely benign (2). Last evaluated 2026-04-14.

Conditions:
Familial intrahepatic cholestasis. Identifiers: Orphanet 284385, MedGen CN296401, MONDO:0017290.

Allele frequency attached by ClinVar (database versions not stated): gnomAD 0.00001; gnomAD exomes below 0.00001; TOPMed below 0.00001; ExAC 0.00001.
gnomAD v4.1: 2 of 1,590,158 alleles (0.00013%); highest among the groups gnomAD compares: South Asian, 0.0011%; no homozygotes.

Submissions (2):

Genomenon, Inc
Classification: Likely benign for Familial intrahepatic cholestasis. Last evaluated: 2026-04-14. Review status: criteria provided, single submitter. Criteria: Genomenon Sequence Variant Interpretation Standards - Updated. Collection method: curation. Allele origin: germline. Affected: no.
Comment: ATP8B1 c.2931+9A>G is an intronic variant located in intron 23. This variant has been reported in the published literature (PMID:24260417). It is absent or not present at a significant frequency in gnomAD. This intronic variant is not predicted to impact splicing. In conclusion, we classify ATP8B1 c.2931+9A>G as a likely benign variant.

Labcorp Genetics (formerly Invitae), Labcorp
Classification: Likely benign. Last evaluated: 2023-05-10. Review status: criteria provided, single submitter. Criteria: Invitae Variant Classification Sherloc (09022015). Collection method: clinical testing. Allele origin: germline.

Literature cited by the submitters: PubMed 24260417 (cited by Genomenon, Inc).

NM_001374385.1(ATP8B1):c.2931+9A>G

Genes: ATP8B1 (ATPase phospholipid transporting 8B1; minus strand), ATP8B1-AS1 (ATP8B1 antisense RNA 1; plus strand). Cytogenetic location: 18q21.31.
Variant type: single nucleotide variant.
Coding change: c.2931+9A>G on transcript NM_001374385.1 (MANE Select); 9 bases into the intron after coding-DNA position 2931, A replaced by G.
Molecular consequence: intron variant.
Genome position (GRCh38, 1-based): chr18:57,655,185, T>C on the plus strand (A>G on the coding strand, the complement: ATP8B1 is on the minus strand). VCF-style: chr18-57655185-T-C. GRCh37 (hg19) VCF-style: chr18-55322417-T-C.
Other names: c.2931+9A>G (NM_005603.6); c.2781+9A>G (NM_001374386.1).
Identifiers: ClinVar variation 3007186 (VCV003007186.4), dbSNP rs745865687, ClinGen allele CA8974134.